The following is an entry in ClinVar:

NM_002055.5(GFAP):c.393C>T (p.Thr131=)

Gene: GFAP (glial fibrillary acidic protein; minus strand). Cytogenetic location: 17q21.31.
Variant type: single nucleotide variant.
Coding change: c.393C>T on transcript NM_002055.5 (MANE Select); coding-DNA position 393, C replaced by T.
Protein change: p.Thr131=; no amino-acid change (threonine 131 retained).
Molecular consequence: synonymous variant.
Genome position (GRCh38, 1-based): chr17:44,915,094, G>A on the plus strand (C>T on the coding strand, the complement: GFAP is on the minus strand). VCF-style: chr17-44915094-G-A. GRCh37 (hg19) VCF-style: chr17-42992462-G-A.
Other names: c.393C>T, p.Thr131= (NM_001131019.3, NM_001242376.3, NM_001363846.2).
Identifiers: ClinVar variation 796677 (VCV000796677.12), dbSNP rs370807952, ClinGen allele CA8609044.

ClinVar aggregate classification (germline): Benign/Likely benign. Review status: criteria provided, multiple submitters, no conflicts (2 of 4 stars). 3 submissions from 3 submitters: Benign (1); Likely benign (2). Last evaluated 2026-06-01.

Allele frequency attached by ClinVar (database versions not stated): TOPMed 0.00007; ESP Exome Variant Server 0.00008; gnomAD exomes 0.00010 and 0.00014; ExAC 0.00012; gnomAD 0.00013 and 0.00015.
gnomAD v4.1: 168 of 1,613,472 alleles (0.01%); highest among the groups gnomAD compares: Middle Eastern, 0.016%; 1 homozygote.

Submissions (3):

CeGaT Center for Human Genetics Tuebingen
Classification: Likely benign. Last evaluated: 2026-06-01. Review status: criteria provided, single submitter. Criteria: CeGaT Center For Human Genetics Tuebingen Variant Classification Criteria Version 2. Collection method: clinical testing. Allele origin: germline. Affected: yes. Observed: 1 variant allele.
Comment: GFAP: BP4, BP7

Labcorp Genetics (formerly Invitae), Labcorp
Classification: Benign. Last evaluated: 2026-01-15. Review status: criteria provided, single submitter. Criteria: Invitae Variant Classification Sherloc (09022015). Collection method: clinical testing. Allele origin: germline.

Blueprint Genetics
Classification: Likely benign. Last evaluated: 2024-10-04. Review status: criteria provided, single submitter. Criteria: ACMG Guidelines, 2015. Collection method: clinical testing. Allele origin: germline.